The following is an entry in ClinVar:

ClinVar aggregate classification (germline): Conflicting classifications of pathogenicity. Review status: criteria provided, conflicting classifications (1 of 4 stars). 5 submissions from 5 submitters: Uncertain significance (1); Likely benign (3). 1 of the submissions does not count toward it. Last evaluated 2026-03-27.

Conditions:
Combined oxidative phosphorylation defect type 8. Also called: CARDIOMYOPATHY, HYPERTROPHIC MITOCHONDRIAL, FATAL INFANTILE. Identifiers: Orphanet 319504, MedGen C4518839, MONDO:0013570, OMIM 614096.
AARS2-related disorder. Also called: AARS2-related disorders; AARS2-related condition. Identifiers: MedGen CN381518, MONDO:1060240.

Allele frequency attached by ClinVar (database versions not stated): TOPMed 0.00015; gnomAD exomes 0.00017; gnomAD 0.00019 and 0.00021; ExAC 0.00021; ESP Exome Variant Server 0.00023.

Submissions (5):

Molecular Diagnostic Laboratory for Inherited Cardiovascular Disease, Montreal Heart Institute
Classification: Likely benign. Last evaluated: 2026-03-27. Review status: criteria provided, single submitter. Criteria: ACMG Guidelines, 2015. Collection method: clinical testing. Allele origin: germline. Affected: no.

Labcorp Genetics (formerly Invitae), Labcorp
Classification: Likely benign. Last evaluated: 2026-01-19. Review status: criteria provided, single submitter. Criteria: Invitae Variant Classification Sherloc (09022015). Collection method: clinical testing. Allele origin: germline.

Blueprint Genetics
Classification: Likely benign. Last evaluated: 2024-10-29. Review status: criteria provided, single submitter. Criteria: ACMG Guidelines, 2015. Collection method: clinical testing. Allele origin: germline.

Illumina Laboratory Services, Illumina
Classification: Uncertain significance for Combined oxidative phosphorylation defect type 8. Last evaluated: 2018-01-13. Review status: criteria provided, single submitter. Criteria: ICSL Variant Classification Criteria 13 December 2019. Collection method: clinical testing. Allele origin: germline.

PreventionGenetics, part of Exact Sciences
Classification: Likely benign for AARS2-related condition. Last evaluated: 2024-09-11. Review status: no assertion criteria provided. Collection method: clinical testing. Allele origin: germline. Not counted in ClinVar's aggregate classification.
Comment: This variant is classified as likely benign based on ACMG/AMP sequence variant interpretation guidelines (Richards et al. 2015 PMID: 25741868, with internal and published modifications).

NM_020745.4(AARS2):c.2683-10C>T

Gene: AARS2 (alanyl-tRNA synthetase 2, mitochondrial; minus strand). Cytogenetic location: 6p21.1.
Variant type: single nucleotide variant.
Coding change: c.2683-10C>T on transcript NM_020745.4 (MANE Select); 10 bases into the intron before coding-DNA position 2683, C replaced by T.
Molecular consequence: intron variant.
Genome position (GRCh38, 1-based): chr6:44,301,276, G>A on the plus strand (C>T on the coding strand, the complement: AARS2 is on the minus strand). VCF-style: chr6-44301276-G-A. GRCh37 (hg19) VCF-style: chr6-44269013-G-A.
Identifiers: ClinVar variation 721782 (VCV000721782.17), dbSNP rs372088350, ClinGen allele CA3833868.
Genomic context (GRCh38, chr6:44,301,276, plus strand): 5'-AGACGTGCTGGGGGCCTGCTCACACAGCTGCCGTACCACCTTCACCAGCACCTGGACCAC[G>A]AAAGACAGATGGTGAGCCCATCGCTTCCCAGACCCCTAGCTGTCTCCTGGTCAGGACTTT-3'